The following is an entry in ClinVar:

NM_005909.5(MAP1B):c.2701G>T (p.Gly901Trp)

Gene: MAP1B (microtubule associated protein 1B; plus strand). Cytogenetic location: 5q13.2.
Variant type: single nucleotide variant.
Coding change: c.2701G>T on transcript NM_005909.5 (MANE Select); coding-DNA position 2701, G replaced by T.
Protein change: p.Gly901Trp; replaces glycine 901 with tryptophan.
Molecular consequence: missense variant.
Genome position (GRCh38, 1-based): chr5:72,196,056, G>T. VCF-style: chr5-72196056-G-T. GRCh37 (hg19) VCF-style: chr5-71491883-G-T.
Other names: c.2323G>T, p.Gly775Trp (NM_001324255.2); short protein forms G775W, G901W.
Identifiers: ClinVar variation 3390258 (VCV003390258.14).

ClinVar aggregate classification (germline): Uncertain significance (1 of 4 stars; one submission).

Submission:

CeGaT Center for Human Genetics Tuebingen
Classification: Uncertain significance. Last evaluated: 2024-11-01. Review status: criteria provided, single submitter. Criteria: CeGaT Center For Human Genetics Tuebingen Variant Classification Criteria Version 2. Collection method: clinical testing. Allele origin: germline. Affected: yes. Observed: 1 variant allele.
Comment: MAP1B: PM2, BP4